The following is an entry in ClinVar:

NM_013275.6(ANKRD11):c.6127G>A (p.Ala2043Thr)

Gene: ANKRD11 (ankyrin repeat domain 11; minus strand). Cytogenetic location: 16q24.3.
Variant type: single nucleotide variant.
Coding change: c.6127G>A on transcript NM_013275.6 (MANE Select); coding-DNA position 6127, G replaced by A.
Protein change: p.Ala2043Thr; replaces alanine 2043 with threonine.
Molecular consequence: missense variant.
Genome position (GRCh38, 1-based): chr16:89,280,415, C>T on the plus strand (G>A on the coding strand, the complement: ANKRD11 is on the minus strand). VCF-style: chr16-89280415-C-T. GRCh37 (hg19) VCF-style: chr16-89346823-C-T.
Other names: c.6127G>A, p.Ala2043Thr (NM_001256182.2, NM_001256183.2); short protein forms A2043T.
Identifiers: ClinVar variation 546778 (VCV000546778.5), dbSNP rs1322632964, ClinGen allele CA397152028.
Genomic context (GRCh38, chr16:89,280,415, plus strand): 5'-CCAGCCCGGAGGGAGGGGCGTAGGGAGCCGCCTCTGAGGTGGAGATGGCGGCGGGGACGG[C>T]GTCCACTCCGTCCTTGACGTCCTCCAGCCCCGGCTCAGCGACGGGCAGAGCGTACGGGGC-3'
Protein context (NP_037407.4, residues 2033-2053): GLEDVKDGVD[Ala2043Thr]VPAAISTSEA

ClinVar aggregate classification (germline): Uncertain significance. Review status: criteria provided, multiple submitters, no conflicts (2 of 4 stars). 2 submissions from 2 submitters: Uncertain significance (2). Last evaluated 2024-09-10.

Conditions:
KBG syndrome (KBGS). Also called: ANKRD11-Related KBG Syndrome. Identifiers: Orphanet 2332, MedGen C0220687, MONDO:0007846, OMIM 148050.

Allele frequency attached by ClinVar (database versions not stated): gnomAD exomes below 0.00001 and 0.00001; TOPMed below 0.00001; gnomAD 0.00001.
gnomAD v4.1: 5 of 1,563,322 alleles (0.00032%); highest among the groups gnomAD compares: Admixed American, 0.0036%; no homozygotes.

Submissions (2):

Labcorp Genetics (formerly Invitae), Labcorp
Classification: Uncertain significance for KBG syndrome. Last evaluated: 2024-09-10. Review status: criteria provided, single submitter. Criteria: Invitae Variant Classification Sherloc (09022015). Collection method: clinical testing. Allele origin: germline.
Comment: This sequence change replaces alanine, which is neutral and non-polar, with threonine, which is neutral and polar, at codon 2043 of the ANKRD11 protein (p.Ala2043Thr). The frequency data for this variant in the population databases is considered unreliable, as metrics indicate poor data quality at this position in the gnomAD database. This variant has not been reported in the literature in individuals affected with ANKRD11-related conditions. ClinVar contains an entry for this variant (Variation ID: 546778). Invitae Evidence Modeling of protein sequence and biophysical properties (such as structural, functional, and spatial information, amino acid conservation, physicochemical variation, residue mobility, and thermodynamic stability) indicates that this missense variant is not expected to disrupt ANKRD11 protein function with a negative predictive value of 95%. In summary, the available evidence is currently insufficient to determine the role of this variant in disease. Therefore, it has been classified as a Variant of Uncertain Significance.

CeGaT Center for Human Genetics Tuebingen
Classification: Uncertain significance. Last evaluated: 2018-02-28. Review status: criteria provided, single submitter. Criteria: Praxis fuer Humangenetik Tuebingen - Variant Classification Criteria. Collection method: clinical testing. Allele origin: germline. Affected: yes. Observed: 2 variant alleles.